The following is an entry in ClinVar:

NM_003105.6(SORL1):c.4696G>C (p.Asp1566His)

Gene: SORL1 (sortilin related receptor 1; plus strand). Cytogenetic location: 11q24.1.
Variant type: single nucleotide variant.
Coding change: c.4696G>C on transcript NM_003105.6 (MANE Select); coding-DNA position 4696, G replaced by C.
Protein change: p.Asp1566His; replaces aspartic acid 1566 with histidine.
Molecular consequence: missense variant.
Genome position (GRCh38, 1-based): chr11:121,605,157, G>C. VCF-style: chr11-121605157-G-C. GRCh37 (hg19) VCF-style: chr11-121475866-G-C.
Other names: short protein forms D1566H.
Identifiers: ClinVar variation 3641500 (VCV003641500.2).
Genomic context (GRCh38, chr11:121,605,157, plus strand): 5'-TCCTTTATCTCTCTAGATGAGTTGACTGTGTACAAAGTACAGAATCTTCAGTGGACAGCT[G>C]ACTTCTCTGGGGATGTGACTTTGACCTGGATGAGGCCCAAAAAAATGCCCTCTGCTTCTT-3'
Protein context (NP_003096.2, residues 1556-1576): YKVQNLQWTA[Asp1566His]FSGDVTLTWM

ClinVar aggregate classification (germline): Uncertain significance (1 of 4 stars; one submission).

gnomAD v4.1: 28 of 1,613,486 alleles (0.0017%); highest among the groups gnomAD compares: Non-Finnish European, 0.0022%; no homozygotes.

Submission:

Labcorp Genetics (formerly Invitae), Labcorp
Classification: Uncertain significance. Last evaluated: 2024-08-20. Review status: criteria provided, single submitter. Criteria: Invitae Variant Classification Sherloc (09022015). Collection method: clinical testing. Allele origin: germline.
Comment: This sequence change replaces aspartic acid, which is acidic and polar, with histidine, which is basic and polar, at codon 1566 of the SORL1 protein (p.Asp1566His). This variant is present in population databases (no rsID available, gnomAD 0.005%). This variant has not been reported in the literature in individuals affected with SORL1-related conditions. An algorithm developed to predict the effect of missense changes on protein structure and function (PolyPhen-2) suggests that this variant is likely to be disruptive. In summary, the available evidence is currently insufficient to determine the role of this variant in disease. Therefore, it has been classified as a Variant of Uncertain Significance.